The following is an entry in ClinVar:

ClinVar aggregate classification (germline): Uncertain significance. Review status: criteria provided, multiple submitters, no conflicts (2 of 4 stars). 4 submissions from 4 submitters: Uncertain significance (4). Last evaluated 2025-01-09.

Conditions:
Inborn genetic diseases. Identifiers: MedGen C0950123, MeSH D030342.
Autosomal recessive nonsyndromic hearing loss 63. Identifiers: Orphanet 90636, MedGen C1969621, MONDO:0012670, OMIM 611451.

Allele frequency attached by ClinVar (database versions not stated): TOPMed 0.00015; 1000 Genomes Project 30x 0.00016; gnomAD exomes 0.00019 and 0.00032; ExAC 0.00021; gnomAD 0.00016.
gnomAD v4.1: 454 of 1,546,146 alleles (0.029%); highest among the groups gnomAD compares: Non-Finnish European, 0.037%; 1 homozygote.

Submissions (4):

Ambry Genetics
Classification: Uncertain significance for Inborn genetic diseases. Last evaluated: 2025-01-09. Review status: criteria provided, single submitter. Criteria: Ambry Variant Classification Scheme 2023. Collection method: clinical testing. Allele origin: germline.

Blueprint Genetics
Classification: Uncertain significance. Last evaluated: 2024-10-18. Review status: criteria provided, single submitter. Criteria: ACMG Guidelines, 2015. Collection method: clinical testing. Allele origin: germline.

GeneDx
Classification: Uncertain significance. Last evaluated: 2024-06-18. Review status: criteria provided, single submitter. Criteria: GeneDx Variant Classification Process June 2021. Collection method: clinical testing. Allele origin: germline. Affected: yes.
Comment: In silico analysis indicates that this missense variant does not alter protein structure/function; Has not been previously published as pathogenic or benign to our knowledge

Illumina Laboratory Services, Illumina
Classification: Uncertain significance for Autosomal recessive nonsyndromic hearing loss 63. Last evaluated: 2018-01-12. Review status: criteria provided, single submitter. Criteria: ICSL Variant Classification Criteria 13 December 2019. Collection method: clinical testing. Allele origin: germline.

NM_001145308.5(LRTOMT):c.649C>T (p.Arg217Trp)

Genes: ANAPC15 (anaphase promoting complex subunit 15; minus strand), LRTOMT (leucine rich transmembrane and O-methyltransferase domain containing; plus strand), TOMT (transmembrane O-methyltransferase; plus strand). Cytogenetic location: 11q13.4.
Variant type: single nucleotide variant.
Coding change: c.649C>T on transcript NM_001145308.5; coding-DNA position 649, C replaced by T.
Protein change: p.Arg217Trp; replaces arginine 217 with tryptophan.
Molecular consequence: missense variant. On other transcripts: 3 prime UTR variant (3), non-coding transcript variant (1), intron variant (7).
Genome position (GRCh38, 1-based): chr11:72,108,698, C>T. VCF-style: chr11-72108698-C-T. GRCh37 (hg19) VCF-style: chr11-71819744-C-T.
Other names: c.550C>T, p.Arg184Trp (NM_001393500.2); c.649C>T, p.Arg217Trp (NM_001145309.4); c.529C>T, p.Arg177Trp (NM_001145310.4); c.*121G>A (NM_001393443.1, NM_001393444.1, NM_001393445.1); c.64-1093G>A (NM_001393459.1); c.319-1093G>A (NM_001393430.1, NM_001393429.1, NM_001393428.1 and 3 more transcripts); short protein forms R217W, R177W, R184W.
Identifiers: ClinVar variation 305998 (VCV000305998.15), dbSNP rs72953778, ClinGen allele CA6168635.